The following is an entry in ClinVar:

ClinVar aggregate classification (germline): Likely benign (1 of 4 stars; one submission).

Allele frequency attached by ClinVar (database versions not stated): gnomAD exomes 0.00001.
gnomAD v4.1: 5 of 1,613,684 alleles (0.00031%); highest among the groups gnomAD compares: Non-Finnish European, 0.00042%; no homozygotes.

Submission:

GeneDx
Classification: Likely benign. Last evaluated: 2018-03-28. Review status: criteria provided, single submitter. Criteria: GeneDx Variant Classification (06012015). Collection method: clinical testing. Allele origin: germline. Affected: yes.
Comment: This variant is considered likely benign or benign based on one or more of the following criteria: it is a conservative change, it occurs at a poorly conserved position in the protein, it is predicted to be benign by multiple in silico algorithms, and/or has population frequency not consistent with disease.

NM_001267550.2(TTN):c.85435G>A (p.Gly28479Ser)

Genes: TTN (titin; minus strand), TTN-AS1 (TTN antisense RNA 1; plus strand). Cytogenetic location: 2q31.2.
Variant type: single nucleotide variant.
Coding change: c.85435G>A on transcript NM_001267550.2 (MANE Select); coding-DNA position 85435, G replaced by A.
Protein change: p.Gly28479Ser; replaces glycine 28479 with serine.
Molecular consequence: missense variant.
Genome position (GRCh38, 1-based): chr2:178,560,697, C>T on the plus strand (G>A on the coding strand, the complement: TTN is on the minus strand). VCF-style: chr2-178560697-C-T. GRCh37 (hg19) VCF-style: chr2-179425424-C-T.
Other names: c.80512G>A, p.Gly26838Ser (NM_001256850.1); c.58240G>A, p.Gly19414Ser (NM_003319.4); c.77731G>A, p.Gly25911Ser (NM_133378.4); c.58615G>A, p.Gly19539Ser (NM_133432.3); c.58816G>A, p.Gly19606Ser (NM_133437.4); short protein forms G19414S, G19606S, G28479S, G25911S, G19539S, G26838S.
Identifiers: ClinVar variation 681111 (VCV000681111.1), dbSNP rs1575615400, ClinGen allele CA349553719.
Genomic context (GRCh38, chr2:178,560,697, plus strand): 5'-TCCATGCAAGGTGGCTTGTTTCACGTTTTTCTACGATGTAATAGTCGATATCTGCACCAC[C>T]ATCTTCTTGGGGACGTCCCCAGGAAAGAGAGCATTTCTCAGCAGTGAGGCCATTTATTTC-3'
Protein context (NP_001254479.2, residues 28469-28489): SLSWGRPQED[Gly28479Ser]GADIDYYIVE